The following is an entry in ClinVar:

NM_138295.5(PKD1L1):c.1061-9C>T

Gene: PKD1L1 (polycystin 1 like 1, transient receptor potential channel interacting; minus strand). Cytogenetic location: 7p12.3.
Variant type: single nucleotide variant.
Coding change: c.1061-9C>T on transcript NM_138295.5 (MANE Select); 9 bases into the intron before coding-DNA position 1061, C replaced by T.
Molecular consequence: intron variant.
Genome position (GRCh38, 1-based): chr7:47,915,608, G>A on the plus strand (C>T on the coding strand, the complement: PKD1L1 is on the minus strand). VCF-style: chr7-47915608-G-A. GRCh37 (hg19) VCF-style: chr7-47955205-G-A.
Identifiers: ClinVar variation 3031438 (VCV003031438.2), dbSNP rs1161376380, ClinGen allele CA574694597.

ClinVar aggregate classification (germline): Likely benign (0 of 4 stars; one submission).

Conditions:
PKD1L1-related disorder. Also called: PKD1L1-related condition.

Allele frequency attached by ClinVar (database versions not stated): gnomAD 0.00002; TOPMed 0.00002.
gnomAD v4.1: 40 of 1,459,264 alleles (0.0027%); highest among the groups gnomAD compares: Non-Finnish European, 0.0036%; no homozygotes.

Submission:

PreventionGenetics, part of Exact Sciences
Classification: Likely benign for PKD1L1-related condition. Last evaluated: 2021-03-17. Review status: no assertion criteria provided. Collection method: clinical testing. Allele origin: germline.
Comment: This variant is classified as likely benign based on ACMG/AMP sequence variant interpretation guidelines (Richards et al. 2015 PMID: 25741868, with internal and published modifications).